The following is an entry in ClinVar:

NM_000443.4(ABCB4):c.2497G>A (p.Ala833Thr)

Gene: ABCB4 (ATP binding cassette subfamily B member 4; minus strand). Cytogenetic location: 7q21.12.
Variant type: single nucleotide variant.
Coding change: c.2497G>A on transcript NM_000443.4 (MANE Select); coding-DNA position 2497, G replaced by A.
Protein change: p.Ala833Thr; replaces alanine 833 with threonine.
Molecular consequence: missense variant.
Genome position (GRCh38, 1-based): chr7:87,417,497, C>T on the plus strand (G>A on the coding strand, the complement: ABCB4 is on the minus strand). VCF-style: chr7-87417497-C-T. GRCh37 (hg19) VCF-style: chr7-87046813-C-T.
Other names: c.2497G>A, p.Ala833Thr (NM_018849.3, NM_018850.3); short protein forms A833T.
Identifiers: ClinVar variation 3366493 (VCV003366493.2).

ClinVar aggregate classification (germline): Uncertain significance. Review status: criteria provided, multiple submitters, no conflicts (2 of 4 stars). 2 submissions from 2 submitters: Uncertain significance (2). Last evaluated 2026-04-14.

Conditions:
Familial intrahepatic cholestasis. Identifiers: Orphanet 284385, MedGen CN296401, MONDO:0017290.

gnomAD v4.1: 4 of 1,614,102 alleles (0.00025%); highest among the groups gnomAD compares: Middle Eastern, 0.016%; no homozygotes.

Submissions (2):

Genomenon, Inc
Classification: Uncertain significance for Familial intrahepatic cholestasis. Last evaluated: 2026-04-14. Review status: criteria provided, single submitter. Criteria: Genomenon Sequence Variant Interpretation Standards - Updated. Collection method: curation. Allele origin: germline. Affected: yes.
Comment: ABCB4 p.Ala833Thr (c.2497G>A) is a missense variant that changes the amino acid at residue 833 from Alanine to Threonine. This variant has been observed in at least one proband with an ABCB4-related disorder (PMID:37208429). It is absent or not present at a significant frequency in gnomAD. In silico models predict that this variant is possibly or probably damaging. In conclusion, we classify ABCB4 p.Ala833Thr (c.2497G>A) as a variant of uncertain significance.

Women's Health and Genetics/Laboratory Corporation of America, LabCorp
Classification: Uncertain significance. Last evaluated: 2024-08-28. Review status: criteria provided, single submitter. Criteria: LabCorp Variant Classification Summary - May 2015. Collection method: clinical testing. Allele origin: germline.
Comment: Variant summary: ABCB4 c.2497G>A (p.Ala833Thr) results in a non-conservative amino acid change located in the ABC transporter type 1, transmembrane domain (IPR011527) of the encoded protein sequence. Five of five in-silico tools predict a damaging effect of the variant on protein function. The variant was absent in 251088 control chromosomes. The available data on variant occurrences in the general population are insufficient to allow any conclusion about variant significance. c.2497G>A has been reported in the literature in at least one individuals affected with intrahepatic cholestasis of pregnancy (e.g. Zollner_2023). This report do not provide unequivocal conclusions about association of the variant with Familial Intrahepatic Cholestasis. To our knowledge, no experimental evidence demonstrating an impact on protein function has been reported. The following publication has been ascertained in the context of this evaluation (PMID: 37208429). No submitters have cited clinical-significance assessments for this variant to ClinVar. Based on the evidence outlined above, the variant was classified as uncertain significance.

Literature cited by the submitters: PubMed 37208429 (cited by Genomenon, Inc and Women's Health and Genetics/Laboratory Corporation of America, LabCorp).